The following is an entry in ClinVar:

ClinVar aggregate classification (germline): Likely benign. Review status: criteria provided, multiple submitters, no conflicts (2 of 4 stars). 3 submissions from 3 submitters: Likely benign (3). Last evaluated 2025-11-15.

Conditions:
KCNV2-related disorder. Also called: KCNV2-related condition.

Allele frequency attached by ClinVar (database versions not stated): ExAC 0.00005; gnomAD 0.00005 and 0.00006; gnomAD exomes 0.00006; TOPMed 0.00010; ESP Exome Variant Server 0.00016.
gnomAD v4.1: 45 of 1,598,944 alleles (0.0028%); highest among the groups gnomAD compares: African/African-American, 0.016%; no homozygotes.

Submissions (3):

Labcorp Genetics (formerly Invitae), Labcorp
Classification: Likely benign. Last evaluated: 2025-11-15. Review status: criteria provided, single submitter. Criteria: Invitae Variant Classification Sherloc (09022015). Collection method: clinical testing. Allele origin: germline.

PreventionGenetics, part of Exact Sciences
Classification: Likely benign for KCNV2-related condition. Last evaluated: 2025-01-02. Review status: criteria provided, single submitter. Criteria: ACMG Guidelines, 2015. Collection method: clinical testing. Allele origin: germline.
Comment: This variant is classified as likely benign based on ACMG/AMP sequence variant interpretation guidelines (Richards et al. 2015 PMID: 25741868, with internal and published modifications).

Blueprint Genetics
Classification: Likely benign. Last evaluated: 2024-10-14. Review status: criteria provided, single submitter. Criteria: ACMG Guidelines, 2015. Collection method: clinical testing. Allele origin: germline.

NM_133497.4(KCNV2):c.616C>A (p.Arg206=)

Gene: KCNV2 (potassium voltage-gated channel modifier subfamily V member 2; plus strand). Cytogenetic location: 9p24.2.
Variant type: single nucleotide variant.
Coding change: c.616C>A on transcript NM_133497.4 (MANE Select); coding-DNA position 616, C replaced by A.
Protein change: p.Arg206=; no amino-acid change (arginine 206 retained).
Molecular consequence: synonymous variant.
Genome position (GRCh38, 1-based): chr9:2,718,355, C>A. VCF-style: chr9-2718355-C-A. GRCh37 (hg19) VCF-style: chr9-2718355-C-A.
Identifiers: ClinVar variation 737427 (VCV000737427.12), dbSNP rs377471498, ClinGen allele CA4965538.